The following is an entry in ClinVar:

NM_198253.3(TERT):c.3033-2A>C

Gene: TERT (telomerase reverse transcriptase; minus strand). Cytogenetic location: 5p15.33.
Variant type: single nucleotide variant.
Coding change: c.3033-2A>C on transcript NM_198253.3 (MANE Select); the canonical splice acceptor site of the intron before coding-DNA position 3033, A replaced by C.
Molecular consequence: splice acceptor variant.
Genome position (GRCh38, 1-based): chr5:1,255,413, T>G on the plus strand (A>C on the coding strand, the complement: TERT is on the minus strand). VCF-style: chr5-1255413-T-G. GRCh37 (hg19) VCF-style: chr5-1255528-T-G.
Other names: c.2844-2A>C (NM_001193376.3).
Identifiers: ClinVar variation 3377095 (VCV003377095.1).
Genomic context (GRCh38, chr5:1,255,413, plus strand): 5'-ATGTGGGGTTCTTCCAAACTTGCTGATGAAATGGGAGCTGCAGCACACATGCGTGAAACC[T>G]GAGAGGATGGCGGACAGCGTCAGAGGAAAGGCCTCCTAATCAGACGGTGCTCGTGGGTGT-3'

ClinVar aggregate classification (germline): Likely pathogenic (1 of 4 stars; one submission).

Conditions:
Pulmonary fibrosis and/or bone marrow failure, Telomere-related, 1. Also called: PULMONARY FIBROSIS AND/OR BONE MARROW FAILURE SYNDROME, TELOMERE-RELATED, 1. Identifiers: Orphanet 88, MedGen C3553617, MONDO:0013878, OMIM 614742.

Submission:

Victorian Clinical Genetics Services, Murdoch Childrens Research Institute
Classification: Likely pathogenic for Pulmonary fibrosis and/or bone marrow failure, Telomere-related, 1. Last evaluated: 2024-10-09. Review status: criteria provided, single submitter. Criteria: ACMG Guidelines, 2015. Collection method: clinical testing. Allele origin: germline. Inheritance: Autosomal dominant inheritance. Affected: yes.
Comment: Based on the classification scheme VCGS_Germline_v1.3.4, this variant is classified as Likely Pathogenic. Following criteria are met: 0102 - Loss of function is a known mechanism of disease in this gene and is associated with autosomal dominant dyskeratosis congenita 2 and autosomal recessive dyskeratosis congenita 4 (MIM#613989) and telomere-related pulmonary fibrosis and/or bone marrow failure 1 (MIM#614742). (I) 0108 - This gene is associated with both recessive and dominant disease. No specific genotype-phenotype correlations have been established (PMID: 20301779). (I) 0115 - Variants in this gene are known to have variable expressivity. Phenotypic variability is well reported for dyskeratosis congenita (OMIM, PMID: 20301779). (I) 0211 - Canonical splice site variant without proven consequence on splicing (no functional evidence available). (SP) 0251 - This variant is heterozygous. (I) 0301 - Variant is absent from gnomAD (both v2 and v3). (SP) 0505 - Abnormal splicing is predicted by in silico tools and affected nucleotide is highly conserved. (SP) 0705 - No comparable splice variants have previous evidence for pathogenicity. (I) 0807 - This variant has no previous evidence of pathogenicity. (I) 0905 - No published segregation evidence has been identified for this variant. (I) 1007 - No published functional evidence has been identified for this variant. (I) 1208 - Inheritance information for this variant is not currently available in this individual. (I) Legend: (SP) - Supporting pathogenic, (I) - Information, (SB) - Supporting benign

Literature cited by the submitters: PubMed 20301779.